The following is an entry in ClinVar:

ClinVar aggregate classification (germline): Uncertain significance (1 of 4 stars; one submission).

Conditions:
Primary ciliary dyskinesia. Also called: Ciliary dyskinesia. Identifiers: Orphanet 244, MedGen C0008780, MONDO:0016575, HP:0012265.

Submission:

Labcorp Genetics (formerly Invitae), Labcorp
Classification: Uncertain significance for Primary ciliary dyskinesia. Last evaluated: 2019-11-05. Review status: criteria provided, single submitter. Criteria: Invitae Variant Classification Sherloc (09022015). Collection method: clinical testing. Allele origin: germline.
Comment: This sequence change falls in intron 51 of the DNAH5 gene. It does not directly change the encoded amino acid sequence of the DNAH5 protein, but it affects a nucleotide within the consensus splice site of the intron. This variant is not present in population databases (ExAC no frequency). This variant has not been reported in the literature in individuals with DNAH5-related disease. Nucleotide substitutions within the consensus splice site are a relatively common cause of aberrant splicing (PMID: 17576681, 9536098). Algorithms developed to predict the effect of sequence changes on RNA splicing suggest that this variant may disrupt the consensus splice site, but this prediction has not been confirmed by published transcriptional studies. In summary, the available evidence is currently insufficient to determine the role of this variant in disease. Therefore, it has been classified as a Variant of Uncertain Significance.

NM_001369.3(DNAH5):c.8647+3A>G

Gene: DNAH5 (dynein axonemal heavy chain 5; minus strand). Cytogenetic location: 5p15.2.
Variant type: single nucleotide variant.
Coding change: c.8647+3A>G on transcript NM_001369.3 (MANE Select); 3 bases into the intron after coding-DNA position 8647, A replaced by G.
Molecular consequence: intron variant.
Genome position (GRCh38, 1-based): chr5:13,788,713, T>C on the plus strand (A>G on the coding strand, the complement: DNAH5 is on the minus strand). VCF-style: chr5-13788713-T-C. GRCh37 (hg19) VCF-style: chr5-13788822-T-C.
Identifiers: ClinVar variation 658844 (VCV000658844.2), dbSNP rs1580248475, ClinGen allele CA915943337.